The following is an entry in ClinVar:

NM_001130009.3(GEN1):c.2405C>T (p.Ser802Phe)

Gene: GEN1 (GEN1 Holliday junction 5' flap endonuclease; plus strand). Cytogenetic location: 2p24.2.
Variant type: single nucleotide variant.
Coding change: c.2405C>T on transcript NM_001130009.3 (MANE Select); coding-DNA position 2405, C replaced by T.
Protein change: p.Ser802Phe; replaces serine 802 with phenylalanine.
Molecular consequence: missense variant.
Genome position (GRCh38, 1-based): chr2:17,781,617, C>T. VCF-style: chr2-17781617-C-T. GRCh37 (hg19) VCF-style: chr2-17962884-C-T.
Other names: c.2405C>T, p.Ser802Phe (NM_182625.5); short protein forms S802F.
Identifiers: ClinVar variation 4029236 (VCV004029236.1).

ClinVar aggregate classification (germline): Uncertain significance (1 of 4 stars; one submission).

gnomAD v4.1: 4 of 1,613,898 alleles (0.00025%); highest among the groups gnomAD compares: African/African-American, 0.0027%; no homozygotes.

Submission:

Ambry Genetics
Classification: Uncertain significance. Last evaluated: 2025-04-18. Review status: criteria provided, single submitter. Criteria: Ambry Variant Classification Scheme 2023. Collection method: clinical testing. Allele origin: germline.
Comment: The p.S802F variant (also known as c.2405C>T), located in coding exon 13 of the GEN1 gene, results from a C to T substitution at nucleotide position 2405. The serine at codon 802 is replaced by phenylalanine, an amino acid with highly dissimilar properties. This amino acid position is conserved. In addition, this alteration is predicted to be tolerated by in silico analysis. Based on the available evidence, the clinical significance of this variant remains unclear.